The following is an entry in ClinVar:

ClinVar aggregate classification (germline): Likely benign (1 of 4 stars; one submission).

Submission:

GeneDx
Classification: Likely benign. Last evaluated: 2018-06-14. Review status: criteria provided, single submitter. Criteria: GeneDx Variant Classification (06012015). Collection method: clinical testing. Allele origin: germline. Affected: yes.
Comment: This variant is considered likely benign or benign based on one or more of the following criteria: it is a conservative change, it occurs at a poorly conserved position in the protein, it is predicted to be benign by multiple in silico algorithms, and/or has population frequency not consistent with disease.

NM_000089.4(COL1A2):c.96+240del

Gene: COL1A2 (collagen type I alpha 2 chain; plus strand). Cytogenetic location: 7q21.3.
Variant type: Deletion.
Coding change: c.96+240del on transcript NM_000089.4 (MANE Select); 240 bases into the intron after coding-DNA position 96, one base deleted (G; older notation c.96+240delG).
Molecular consequence: intron variant.
Genome position (GRCh38, 1-based): chr7:94,398,636, G deleted; the last of 2 consecutive G bases (chr7:94,398,635-94,398,636); deleting either gives the same sequence. VCF-style (leftmost placement, unchanged base first): chr7-94398634-AG-A. GRCh37 (hg19) VCF-style: chr7-94027946-AG-A.
Identifiers: ClinVar variation 672987 (VCV000672987.1), dbSNP rs138562211, ClinGen allele CA162905329.